The following is an entry in ClinVar:

NM_006828.4(ASCC3):c.2288T>C (p.Val763Ala)

Gene: ASCC3 (activating signal cointegrator 1 complex subunit 3; minus strand). Cytogenetic location: 6q16.3.
Variant type: single nucleotide variant.
Coding change: c.2288T>C on transcript NM_006828.4 (MANE Select); coding-DNA position 2288, T replaced by C.
Protein change: p.Val763Ala; replaces valine 763 with alanine.
Molecular consequence: missense variant.
Genome position (GRCh38, 1-based): chr6:100,662,535, A>G on the plus strand (T>C on the coding strand, the complement: ASCC3 is on the minus strand). VCF-style: chr6-100662535-A-G. GRCh37 (hg19) VCF-style: chr6-101110411-A-G.
Other names: short protein forms V763A.
Identifiers: ClinVar variation 3769895 (VCV003769895.3).

ClinVar aggregate classification (germline): Uncertain significance. Review status: criteria provided, multiple submitters, no conflicts (2 of 4 stars). 2 submissions from 2 submitters: Uncertain significance (2). Last evaluated 2025-03-26.

Conditions:
Inborn genetic diseases. Identifiers: MedGen C0950123, MeSH D030342.

gnomAD v4.1: 10 of 1,612,534 alleles (0.00062%); highest among the groups gnomAD compares: African/African-American, 0.012%; no homozygotes.

Submissions (2):

GeneDx
Classification: Uncertain significance. Last evaluated: 2025-03-26. Review status: criteria provided, single submitter. Criteria: GeneDx Variant Classification Process June 2021. Collection method: clinical testing. Allele origin: germline.
Comment: In silico analysis supports that this missense variant has a deleterious effect on protein structure/function; Has not been previously published as pathogenic or benign to our knowledge

Ambry Genetics
Classification: Uncertain significance for Inborn genetic diseases. Last evaluated: 2025-01-28. Review status: criteria provided, single submitter. Criteria: Ambry Variant Classification Scheme 2023. Collection method: clinical testing. Allele origin: germline.